The following is an entry in ClinVar:

NC_000019.9:g.(?_12757434)_(12780217_?)del

Genes: MAN2B1 (mannosidase alpha class 2B member 1; minus strand), WDR83 (WD repeat domain 83; plus strand), WDR83OS (WD repeat domain 83 opposite strand; minus strand). Cytogenetic location: 19p13.2.
Variant type: Deletion.
Identifiers: ClinVar variation 2423224 (VCV002423224.4).

ClinVar aggregate classification (germline): Pathogenic (1 of 4 stars; one submission).

Conditions:
Deficiency of alpha-mannosidase (MANSA). Also called: LYSOSOMAL ALPHA-D-MANNOSIDASE DEFICIENCY; Alpha-Mannosidosis; Mannosidosis, alpha-, types I and II. Identifiers: Orphanet 61, MedGen C0024748, MONDO:0009561, OMIM 248500.

Submission:

Labcorp Genetics (formerly Invitae), Labcorp
Classification: Pathogenic for Deficiency of alpha-mannosidase. Last evaluated: 2022-04-18. Review status: criteria provided, single submitter. Criteria: Invitae Variant Classification Sherloc (09022015). Collection method: clinical testing. Allele origin: germline.
Comment: A gross deletion of the genomic region encompassing the full coding sequence of the MAN2B1 gene has been identified. Loss-of-function variants in MAN2B1 are known to be pathogenic (PMID: 9915946, 22161967). The boundaries of this event are unknown as they extend beyond the assayed region for this gene and therefore may encompass additional genes. This variant has not been reported in the literature in individuals affected with MAN2B1-related conditions. For these reasons, this variant has been classified as Pathogenic.

Literature cited by the submitters: PubMed 9915946; PubMed 22161967.